The following is an entry in ClinVar:

ClinVar aggregate classification (germline): Uncertain significance. Review status: criteria provided, single submitter (1 of 4 stars). 2 submissions from 2 submitters: Uncertain significance (1). 1 of the submissions does not count toward it. Last evaluated 2021-12-22.

Conditions:
VPS13B-related disorder. Also called: VPS13B-related condition.
Cohen syndrome (COH1). Also called: Cutis verticis gyrata, retinitis pigmentosa, and sensorineural deafness; PEPPER SYNDROME. Identifiers: Orphanet 193, MedGen C0265223, MONDO:0008999, OMIM 216550.

Submissions (2):

Labcorp Genetics (formerly Invitae), Labcorp
Classification: Uncertain significance for Cohen syndrome. Last evaluated: 2021-12-22. Review status: criteria provided, single submitter. Criteria: Invitae Variant Classification Sherloc (09022015). Collection method: clinical testing. Allele origin: germline.
Comment: This variant, c.11647_11649del, results in the deletion of 1 amino acid(s) of the VPS13B protein (p.Glu3883del), but otherwise preserves the integrity of the reading frame. This variant is present in population databases (no rsID available, gnomAD 0.007%). This variant has not been reported in the literature in individuals affected with VPS13B-related conditions. Experimental studies and prediction algorithms are not available or were not evaluated, and the functional significance of this variant is currently unknown. In summary, the available evidence is currently insufficient to determine the role of this variant in disease. Therefore, it has been classified as a Variant of Uncertain Significance.

PreventionGenetics, part of Exact Sciences
Classification: Uncertain significance for VPS13B-related condition. Last evaluated: 2024-09-04. Review status: no assertion criteria provided. Collection method: clinical testing. Allele origin: germline. Not counted in ClinVar's aggregate classification.
Comment: The VPS13B c.11572_11574delGAG variant is predicted to result in an in-frame deletion (p.Glu3858del). To our knowledge, this variant has not been reported in the literature. This variant is reported in 0.0065% of alleles in individuals of European (Non-Finnish) descent in gnomAD. At this time, the clinical significance of this variant is uncertain due to the absence of conclusive functional and genetic evidence.

NM_152564.5(VPS13B):c.11572_11574del (p.Glu3858del)

Gene: VPS13B (vacuolar protein sorting 13 homolog B; plus strand). Cytogenetic location: 8q22.2.
Variant type: Deletion.
Coding change: c.11572_11574del on transcript NM_152564.5 (MANE Select); coding-DNA positions 11572 to 11574, 3 bases deleted (GAG; older notation c.11572_11574delGAG).
Protein change: p.Glu3858del; deletes glutamic acid 3858.
Molecular consequence: inframe deletion.
Genome position (GRCh38, 1-based): chr8:99,871,524-99,871,526, GAG deleted; deleting any 3 consecutive bases within chr8:99,871,522-99,871,526 gives the same sequence; the c. name uses the placement nearest the transcript's 3' end. VCF-style (leftmost placement, unchanged base first): chr8-99871521-CAGG-C. GRCh37 (hg19) VCF-style: chr8-100883749-CAGG-C.
Other names: c.11647_11649del, p.Glu3883del (NM_017890.5); short protein forms E3858del, E3883del.
Identifiers: ClinVar variation 2168239 (VCV002168239.2), dbSNP rs1442032566, ClinGen allele CA462458730.